The following is an entry in ClinVar:

NM_000053.4(ATP7B):c.2190C>T (p.Asp730=)

Gene: ATP7B (ATPase copper transporting beta; minus strand). Cytogenetic location: 13q14.3.
Variant type: single nucleotide variant.
Coding change: c.2190C>T on transcript NM_000053.4 (MANE Select); coding-DNA position 2190, C replaced by T.
Protein change: p.Asp730=; no amino-acid change (aspartic acid 730 retained).
Molecular consequence: synonymous variant. On other transcripts: intron variant (2).
Genome position (GRCh38, 1-based): chr13:51,958,476, G>A on the plus strand (C>T on the coding strand, the complement: ATP7B is on the minus strand). VCF-style: chr13-51958476-G-A. GRCh37 (hg19) VCF-style: chr13-52532612-G-A.
Other names: c.1857C>T, p.Asp619= (NM_001243182.2); c.1938C>T, p.Asp646= (NM_001330579.2); c.1870-869C>T (NM_001005918.3); c.2122-869C>T (NM_001330578.2).
Identifiers: ClinVar variation 514917 (VCV000514917.27), dbSNP rs550565277, ClinGen allele CA6989089.

ClinVar aggregate classification (germline): Conflicting classifications of pathogenicity. Review status: criteria provided, conflicting classifications (1 of 4 stars). 5 submissions from 5 submitters: Uncertain significance (1); Likely benign (4). Last evaluated 2026-01-19.

Conditions:
Wilson disease (WND). Also called: Wilson's disease. Identifiers: Orphanet 905, MedGen C0019202, MONDO:0010200, OMIM 277900. Disease mechanism: loss of function.

Allele frequency attached by ClinVar (database versions not stated): ExAC 0.00005; gnomAD exomes 0.00005 and 0.00008; gnomAD 0.00006 and 0.00007; TOPMed 0.00006; 1000 Genomes Project 30x 0.00016; 1000 Genomes Project 0.00020.
gnomAD v4.1: 78 of 1,614,232 alleles (0.0048%); highest among the groups gnomAD compares: East Asian, 0.074%; no homozygotes.

Submissions (5):

Labcorp Genetics (formerly Invitae), Labcorp
Classification: Likely benign for Wilson disease. Last evaluated: 2026-01-19. Review status: criteria provided, single submitter. Criteria: Invitae Variant Classification Sherloc (09022015). Collection method: clinical testing. Allele origin: germline.

Color Diagnostics, LLC DBA Color Health
Classification: Likely benign for Wilson disease. Last evaluated: 2023-03-29. Review status: criteria provided, single submitter. Criteria: ACMG Guidelines, 2015. Collection method: clinical testing. Allele origin: germline.

Genome-Nilou Lab
Classification: Likely benign for Wilson disease. Last evaluated: 2021-08-10. Review status: criteria provided, single submitter. Criteria: ACMG Guidelines, 2015. Collection method: clinical testing. Allele origin: germline. Affected: no.

GeneDx
Classification: Likely benign. Last evaluated: 2018-02-08. Review status: criteria provided, single submitter. Criteria: GeneDx Variant Classification (06012015). Collection method: clinical testing. Allele origin: germline. Affected: yes.
Comment: This variant is considered likely benign or benign based on one or more of the following criteria: it is a conservative change, it occurs at a poorly conserved position in the protein, it is predicted to be benign by multiple in silico algorithms, and/or has population frequency not consistent with disease.

Illumina Laboratory Services, Illumina
Classification: Uncertain significance for Wilson disease. Last evaluated: 2018-01-12. Review status: criteria provided, single submitter. Criteria: ICSL Variant Classification Criteria 13 December 2019. Collection method: clinical testing. Allele origin: germline.